The following is an entry in ClinVar:

NM_013451.4(MYOF):c.5999+6_5999+7del

Gene: MYOF (myoferlin; minus strand). Cytogenetic location: 10q23.33.
Variant type: Microsatellite.
Coding change: c.5999+6_5999+7del on transcript NM_013451.4 (MANE Select); bases 6 to 7 of the intron after coding-DNA position 5999, 2 bases deleted (AG; older notation c.5999+6_5999+7delAG).
Molecular consequence: intron variant.
Genome position (GRCh38, 1-based): chr10:93,310,527-93,310,528, CT deleted on the plus strand (AG on the coding strand, the reverse complement: MYOF is on the minus strand); deleting any 2 consecutive bases within chr10:93,310,527-93,310,531 gives the same sequence; the c. name uses the placement nearest the transcript's 3' end. VCF-style (leftmost placement, unchanged base first): chr10-93310526-CCT-C. GRCh37 (hg19) VCF-style: chr10-95070283-CCT-C.
Other names: c.5960+6_5960+7del (NM_133337.3).
Identifiers: ClinVar variation 3345588 (VCV003345588.1).

ClinVar aggregate classification (germline): Likely benign (0 of 4 stars; one submission).

Conditions:
MYOF-related disorder. Also called: MYOF-related condition.

Submission:

PreventionGenetics, part of Exact Sciences
Classification: Likely benign for MYOF-related condition. Last evaluated: 2024-07-03. Review status: no assertion criteria provided. Collection method: clinical testing. Allele origin: germline.
Comment: This variant is classified as likely benign based on ACMG/AMP sequence variant interpretation guidelines (Richards et al. 2015 PMID: 25741868, with internal and published modifications).